The following is an entry in ClinVar:

NM_181426.2(CCDC39):c.604G>A (p.Ala202Thr)

Gene: CCDC39 (coiled-coil domain 39 molecular ruler complex subunit; minus strand). Cytogenetic location: 3q26.33.
Variant type: single nucleotide variant.
Coding change: c.604G>A on transcript NM_181426.2 (MANE Select); coding-DNA position 604, G replaced by A.
Protein change: p.Ala202Thr; replaces alanine 202 with threonine.
Molecular consequence: missense variant.
Genome position (GRCh38, 1-based): chr3:180,659,682, C>T on the plus strand (G>A on the coding strand, the complement: CCDC39 is on the minus strand). VCF-style: chr3-180659682-C-T. GRCh37 (hg19) VCF-style: chr3-180377470-C-T.
Other names: short protein forms A202T.
Identifiers: ClinVar variation 262974 (VCV000262974.26), dbSNP rs61733578, ClinGen allele CA2716134.

ClinVar aggregate classification (germline): Benign/Likely benign. Review status: criteria provided, multiple submitters, no conflicts (2 of 4 stars). 7 submissions from 7 submitters: Benign (4); Likely benign (3). Last evaluated 2026-02-02.

Conditions:
Primary ciliary dyskinesia. Also called: Ciliary dyskinesia. Identifiers: Orphanet 244, MedGen C0008780, MONDO:0016575, HP:0012265.
Primary ciliary dyskinesia 14. Also called: CILIARY DYSKINESIA, PRIMARY, 14, WITH OR WITHOUT SITUS INVERSUS. Identifiers: Orphanet 244, MedGen C3151136, MONDO:0013434, OMIM 613807.

Allele frequency attached by ClinVar (database versions not stated): gnomAD exomes 0.00252; ExAC 0.00308; 1000 Genomes Project 0.00958; gnomAD 0.01015 and 0.01102; 1000 Genomes Project 30x 0.01031; TOPMed 0.01217; ESP Exome Variant Server 0.01229.

Submissions (7):

Labcorp Genetics (formerly Invitae), Labcorp
Classification: Benign for Primary ciliary dyskinesia. Last evaluated: 2026-02-02. Review status: criteria provided, single submitter. Criteria: Invitae Variant Classification Sherloc (09022015). Collection method: clinical testing. Allele origin: germline.

GeneDx
Classification: Likely benign. Last evaluated: 2021-05-06. Review status: criteria provided, single submitter. Criteria: GeneDx Variant Classification Process June 2021. Collection method: clinical testing. Allele origin: germline. Affected: yes.

Ambry Genetics
Classification: Benign for Primary ciliary dyskinesia. Last evaluated: 2020-03-27. Review status: criteria provided, single submitter. Criteria: Ambry Variant Classification Scheme 2023. Collection method: clinical testing. Allele origin: germline.

Illumina Laboratory Services, Illumina
Classification: Likely benign for Primary ciliary dyskinesia 14. Last evaluated: 2018-01-13. Review status: criteria provided, single submitter. Criteria: ICSL Variant Classification Criteria 13 December 2019. Collection method: clinical testing. Allele origin: germline.
Comment: This variant was observed in the ICSL laboratory as part of a predisposition screen in an ostensibly healthy population. It had not been previously curated by ICSL or reported in the Human Gene Mutation Database (HGMD: prior to June 1st, 2018), and was therefore a candidate for classification through an automated scoring system. Utilizing variant allele frequency, disease prevalence and penetrance estimates, and inheritance mode, an automated score was calculated to assess if this variant is too frequent to cause the disease. Based on the score and internal cut-off values, a variant classified as likely benign is not then subjected to further curation. The score for this variant resulted in a classification of likely benign for this disease.

Laboratory for Molecular Medicine, Mass General Brigham Personalized Medicine
Classification: Benign. Last evaluated: 2013-02-21. Review status: criteria provided, single submitter. Criteria: LMM Criteria. Collection method: clinical testing. Allele origin: germline. Observed: 1 variant allele.
Comment: Ala202Thr in exon 5 of CCDC39: This variant is not expected to have clinical sig nificance because it has been identified in 3.9% (142/3638) of African American chromosomes from a broad population by the NHLBI Exome Sequencing Project (dbSNP rs61733578).

Breakthrough Genomics
Classification: Likely benign. Review status: criteria provided, single submitter. Criteria: ACMG Guidelines, 2015. Collection method: not provided. Allele origin: germline. Inheritance: Autosomal recessive inheritance. Affected: yes.

PreventionGenetics, part of Exact Sciences
Classification: Benign. Review status: criteria provided, single submitter. Criteria: ACMG Guidelines, 2015. Collection method: clinical testing. Allele origin: germline.